The following is an entry in ClinVar:

ClinVar aggregate classification (germline): Uncertain significance. Review status: criteria provided, multiple submitters, no conflicts (2 of 4 stars). 4 submissions from 4 submitters: Uncertain significance (4). Last evaluated 2025-10-24.

Conditions:
Hereditary cancer-predisposing syndrome. Also called: Hereditary Cancer Syndrome; Hereditary neoplastic syndrome; Tumor predisposition; Neoplastic Syndromes, Hereditary. Identifiers: Orphanet 140162, MedGen C0027672, MeSH D009386, MONDO:0015356.
Endometrial carcinoma. Also called: Endometrial carcinoma, somatic. Identifiers: MedGen C0476089, MONDO:0002447, OMIM 608089, HP:0012114.

Allele frequency attached by ClinVar (database versions not stated): gnomAD exomes 0.00006 and 0.00003; TOPMed 0.00003; ExAC 0.00007; gnomAD 0.00002.
gnomAD v4.1: 20 of 1,614,066 alleles (0.0012%); highest among the groups gnomAD compares: Admixed American, 0.033%; no homozygotes.

Submissions (4):

Labcorp Genetics (formerly Invitae), Labcorp
Classification: Uncertain significance. Last evaluated: 2025-10-24. Review status: criteria provided, single submitter. Criteria: Invitae Variant Classification Sherloc (09022015). Collection method: clinical testing. Allele origin: germline.
Comment: This sequence change replaces isoleucine, which is neutral and non-polar, with methionine, which is neutral and non-polar, at codon 918 of the MSH3 protein (p.Ile918Met). This variant is present in population databases (rs770164999, gnomAD 0.04%). This variant has not been reported in the literature in individuals affected with MSH3-related conditions. ClinVar contains an entry for this variant (Variation ID: 649096). An algorithm developed to predict the effect of missense changes on protein structure and function outputs the following: PolyPhen-2: "Benign". The methionine amino acid residue is found in multiple mammalian species, which suggests that this missense change does not adversely affect protein function. In summary, the available evidence is currently insufficient to determine the role of this variant in disease. Therefore, it has been classified as a Variant of Uncertain Significance.

GeneDx
Classification: Uncertain significance. Last evaluated: 2024-10-21. Review status: criteria provided, single submitter. Criteria: GeneDx Variant Classification Process June 2021. Collection method: clinical testing. Allele origin: germline.
Comment: In silico analysis indicates that this missense variant does not alter protein structure/function; Has not been previously published as pathogenic or benign to our knowledge

Ambry Genetics
Classification: Uncertain significance for Hereditary cancer-predisposing syndrome. Last evaluated: 2024-09-13. Review status: criteria provided, single submitter. Criteria: Ambry Variant Classification Scheme 2023. Collection method: clinical testing. Allele origin: germline.
Comment: The p.I918M variant (also known as c.2754T>G), located in coding exon 20 of the MSH3 gene, results from a T to G substitution at nucleotide position 2754. The isoleucine at codon 918 is replaced by methionine, an amino acid with highly similar properties. This amino acid position is not well conserved in available vertebrate species. In addition, this alteration is predicted to be tolerated by in silico analysis. Since supporting evidence is limited at this time, the clinical significance of this alteration remains unclear.

Baylor Genetics
Classification: Uncertain significance for Endometrial carcinoma. Last evaluated: 2024-03-21. Review status: criteria provided, single submitter. Criteria: ACMG Guidelines, 2015. Collection method: clinical testing. Allele origin: unknown.

NM_002439.5(MSH3):c.2754T>G (p.Ile918Met)

Gene: MSH3 (mutS homolog 3; plus strand). Cytogenetic location: 5q14.1.
Variant type: single nucleotide variant.
Coding change: c.2754T>G on transcript NM_002439.5 (MANE Select); coding-DNA position 2754, T replaced by G.
Protein change: p.Ile918Met; replaces isoleucine 918 with methionine.
Molecular consequence: missense variant.
Genome position (GRCh38, 1-based): chr5:80,813,682, T>G. VCF-style: chr5-80813682-T-G. GRCh37 (hg19) VCF-style: chr5-80109501-T-G.
Other names: short protein forms I918M.
Identifiers: ClinVar variation 649096 (VCV000649096.16), dbSNP rs770164999, ClinGen allele CA3328348.
Genomic context (GRCh38, chr5:80,813,682, plus strand): 5'-CATGGGTGGAAAGAGCTCCTACATAAAACAAGTTGCATTGATTACCATCATGGCTCAGAT[T>G]GGCTCCTATGTTCCTGCAGAAGAAGCGACAATTGGGATTGTGGATGGCATTTTCACAAGG-3'
Protein context (NP_002430.3, residues 908-928): QVALITIMAQ[Ile918Met]GSYVPAEEAT